The following is an entry in ClinVar:

ClinVar aggregate classification (germline): Uncertain significance (1 of 4 stars; one submission).

Conditions:
Muscular dystrophy, limb-girdle, autosomal recessive 27. Identifiers: MedGen C5562002, MONDO:0030456, OMIM 619566.

Submission:

SIB Swiss Institute of Bioinformatics
Classification: Uncertain significance for Muscular dystrophy, limb-girdle, autosomal recessive 27. Last evaluated: 2022-04-20. Review status: criteria provided, single submitter. Criteria: ACMG Guidelines, 2015. Collection method: curation. Allele origin: unknown.
Comment: This variant is interpreted as a variant of uncertain significance for Muscular dystrophy, limb-girdle, autosomal recessive 27. The following ACMG Tag(s) were applied: Absent from controls (or at extremely low frequency if recessive) in Exome Sequencing Project, 1000 Genomes Project, or Exome Aggregation Consortium (PM2); Multiple lines of computational evidence support a deleterious effect on the gene or gene product (PP3).

Literature cited by the submitters: PubMed 33861953.

NM_002226.5(JAG2):c.2930T>C (p.Phe977Ser)

Gene: JAG2 (jagged canonical Notch ligand 2; minus strand). Cytogenetic location: 14q32.33.
Variant type: single nucleotide variant.
Coding change: c.2930T>C on transcript NM_002226.5 (MANE Select); coding-DNA position 2930, T replaced by C.
Protein change: p.Phe977Ser; replaces phenylalanine 977 with serine.
Molecular consequence: missense variant.
Genome position (GRCh38, 1-based): chr14:105,145,753, A>G on the plus strand (T>C on the coding strand, the complement: JAG2 is on the minus strand). VCF-style: chr14-105145753-A-G. GRCh37 (hg19) VCF-style: chr14-105612090-A-G.
Other names: c.2816T>C, p.Phe939Ser (NM_145159.3); short protein forms F939S, F977S.
Identifiers: ClinVar variation 1677285 (VCV001677285.1), dbSNP rs2140971458, ClinGen allele CA391264475.